The following is an entry in ClinVar:

NM_001918.5(DBT):c.*4395G>A

Gene: DBT (dihydrolipoamide branched chain transacylase E2; minus strand). Cytogenetic location: 1p21.2.
Variant type: single nucleotide variant.
Coding change: c.*4395G>A on transcript NM_001918.5 (MANE Select); 4395 bases downstream of the stop codon, G replaced by A.
Molecular consequence: 3 prime UTR variant.
Genome position (GRCh38, 1-based): chr1:100,191,860, C>T on the plus strand (G>A on the coding strand, the complement: DBT is on the minus strand). VCF-style: chr1-100191860-C-T. GRCh37 (hg19) VCF-style: chr1-100657416-C-T.
Identifiers: ClinVar variation 291412 (VCV000291412.10), dbSNP rs79471979, ClinGen allele CA10607160.

ClinVar aggregate classification (germline): Benign. Review status: criteria provided, multiple submitters, no conflicts (2 of 4 stars). 4 submissions from 4 submitters: Benign (4). Last evaluated 2023-04-11.

Conditions:
Maple syrup urine disease (MSUD). Identifiers: Orphanet 511, MedGen C0024776, MeSH D008375, MONDO:0009563. Disease mechanism: loss of function.

Allele frequency attached by ClinVar (database versions not stated): TOPMed 0.04496; gnomAD 0.04585 and 0.04616; 1000 Genomes Project 0.04633; gnomAD exomes 0.04819; 1000 Genomes Project 30x 0.04856.
gnomAD v4.1: 6,986 of 152,420 alleles (4.6%); highest among the groups gnomAD compares: African/African-American, 6.3%; 191 homozygotes.

Submissions (4):

Genome-Nilou Lab
Classification: Benign for Maple syrup urine disease type 1A. Last evaluated: 2023-04-11. Review status: criteria provided, single submitter. Criteria: ACMG Guidelines, 2015. Collection method: clinical testing. Allele origin: germline. Affected: no.

GeneDx
Classification: Benign. Last evaluated: 2018-06-23. Review status: criteria provided, single submitter. Criteria: GeneDx Variant Classification Process June 2021. Collection method: clinical testing. Allele origin: germline. Affected: yes.

Illumina Laboratory Services, Illumina
Classification: Benign for Maple syrup urine disease type 1A. Last evaluated: 2018-01-13. Review status: criteria provided, single submitter. Criteria: ICSL Variant Classification Criteria 13 December 2019. Collection method: clinical testing. Allele origin: germline.
Comment: This variant was observed in the ICSL laboratory as part of a predisposition screen in an ostensibly healthy population. It had not been previously curated by ICSL or reported in the Human Gene Mutation Database (HGMD: prior to June 1st, 2018), and was therefore a candidate for classification through an automated scoring system. Utilizing variant allele frequency, disease prevalence and penetrance estimates, and inheritance mode, an automated score was calculated to assess if this variant is too frequent to cause the disease. Based on the score and internal cut-off values, a variant classified as benign is not then subjected to further curation. The score for this variant resulted in a classification of benign for this disease.

Breakthrough Genomics
Classification: Benign. Review status: criteria provided, single submitter. Criteria: ACMG Guidelines, 2015. Collection method: not provided. Allele origin: germline. Inheritance: Autosomal recessive inheritance. Affected: yes.